The following is an entry in ClinVar:

NM_001365276.2(TNXB):c.3856G>A (p.Gly1286Ser)

Gene: TNXB (tenascin XB; minus strand). Cytogenetic location: 6p21.33.
Variant type: single nucleotide variant.
Coding change: c.3856G>A on transcript NM_001365276.2 (MANE Select); coding-DNA position 3856, G replaced by A.
Protein change: p.Gly1286Ser; replaces glycine 1286 with serine.
Molecular consequence: missense variant.
Genome position (GRCh38, 1-based): chr6:32,081,554, C>T on the plus strand (G>A on the coding strand, the complement: TNXB is on the minus strand). VCF-style: chr6-32081554-C-T. GRCh37 (hg19) VCF-style: chr6-32049331-C-T.
Other names: c.4597G>A, p.Gly1533Ser (NM_001428335.1); c.3856G>A, p.Gly1286Ser (NM_019105.8); short protein forms G1286S, G1533S.
Identifiers: ClinVar variation 3459765 (VCV003459765.1).

ClinVar aggregate classification (germline): Uncertain significance (1 of 4 stars; one submission).

Conditions:
Cardiovascular phenotype. Identifiers: MedGen CN230736.

gnomAD v4.1: 1 of 1,604,548 alleles (0.000062%); highest among the groups gnomAD compares: Non-Finnish European, 0.000085%; no homozygotes.

Submission:

Ambry Genetics
Classification: Uncertain significance for Cardiovascular phenotype. Last evaluated: 2024-07-30. Review status: criteria provided, single submitter. Criteria: Ambry Variant Classification Scheme 2023. Collection method: clinical testing. Allele origin: germline.
Comment: The p.G1286S variant (also known as c.3856G>A), located in coding exon 9 of the TNXB gene, results from a G to A substitution at nucleotide position 3856. The glycine at codon 1286 is replaced by serine, an amino acid with similar properties. This amino acid position is conserved. In addition, this alteration is predicted to be tolerated by in silico analysis. Based on the available evidence, the clinical significance of this variant remains unclear.